The following is an entry in ClinVar:

NM_004304.5(ALK):c.2558C>T (p.Thr853Ile)

Gene: ALK (ALK receptor tyrosine kinase; minus strand). Cytogenetic location: 2p23.2.
Variant type: single nucleotide variant.
Coding change: c.2558C>T on transcript NM_004304.5 (MANE Select); coding-DNA position 2558, C replaced by T.
Protein change: p.Thr853Ile; replaces threonine 853 with isoleucine.
Molecular consequence: missense variant.
Genome position (GRCh38, 1-based): chr2:29,232,378, G>A on the plus strand (C>T on the coding strand, the complement: ALK is on the minus strand). VCF-style: chr2-29232378-G-A. GRCh37 (hg19) VCF-style: chr2-29455244-G-A.
Other names: short protein forms T853I.
Identifiers: ClinVar variation 2452104 (VCV002452104.7), dbSNP rs1270177853, ClinGen allele CA346471826.

ClinVar aggregate classification (germline): Uncertain significance. Review status: criteria provided, multiple submitters, no conflicts (2 of 4 stars). 2 submissions from 2 submitters: Uncertain significance (2). Last evaluated 2025-11-17.

Conditions:
Hereditary cancer-predisposing syndrome. Also called: Hereditary neoplastic syndrome; Tumor predisposition; Neoplastic Syndromes, Hereditary; Hereditary Cancer Syndrome. Identifiers: Orphanet 140162, MedGen C0027672, MeSH D009386, MONDO:0015356.
Neuroblastoma, susceptibility to, 3. Also called: ALK-Related Neuroblastic Tumor Susceptibility. Identifiers: Orphanet 635, MedGen C2751681, MONDO:0013083, OMIM 613014.

Allele frequency attached by ClinVar (database versions not stated): gnomAD exomes below 0.00001; TOPMed 0.00001.
gnomAD v4.1: 1 of 1,614,264 alleles (0.000062%); highest among the groups gnomAD compares: South Asian, 0.0011%; no homozygotes.

Submissions (2):

Labcorp Genetics (formerly Invitae), Labcorp
Classification: Uncertain significance for Neuroblastoma, susceptibility to, 3. Last evaluated: 2025-11-17. Review status: criteria provided, single submitter. Criteria: Invitae Variant Classification Sherloc (09022015). Collection method: clinical testing. Allele origin: germline.
Comment: This sequence change replaces threonine, which is neutral and polar, with isoleucine, which is neutral and non-polar, at codon 853 of the ALK protein (p.Thr853Ile). This variant is not present in population databases (gnomAD no frequency). This variant has not been reported in the literature in individuals affected with ALK-related conditions. ClinVar contains an entry for this variant (Variation ID: 2452104). An algorithm developed to predict the effect of missense changes on protein structure and function (PolyPhen-2) suggests that this variant is likely to be disruptive. In summary, the available evidence is currently insufficient to determine the role of this variant in disease. Therefore, it has been classified as a Variant of Uncertain Significance.

Ambry Genetics
Classification: Uncertain significance for Hereditary cancer-predisposing syndrome. Last evaluated: 2025-09-25. Review status: criteria provided, single submitter. Criteria: Ambry Variant Classification Scheme 2023. Collection method: clinical testing. Allele origin: germline.